The following is an entry in ClinVar:

NM_000443.4(ABCB4):c.2800G>A (p.Ala934Thr)

Gene: ABCB4 (ATP binding cassette subfamily B member 4; minus strand). Cytogenetic location: 7q21.12.
Variant type: single nucleotide variant.
Coding change: c.2800G>A on transcript NM_000443.4 (MANE Select); coding-DNA position 2800, G replaced by A.
Protein change: p.Ala934Thr; replaces alanine 934 with threonine.
Molecular consequence: missense variant. On other transcripts: intron variant (1).
Genome position (GRCh38, 1-based): chr7:87,412,017, C>T on the plus strand (G>A on the coding strand, the complement: ABCB4 is on the minus strand). VCF-style: chr7-87412017-C-T. GRCh37 (hg19) VCF-style: chr7-87041333-C-T.
Other names: c.2800G>A, p.Ala934Thr (NM_018849.3); c.2783+1600G>A (NM_018850.3); c.2800G>A (NM_018849.2); short protein forms A934T.
Identifiers: ClinVar variation 281139 (VCV000281139.50), dbSNP rs61730509, ClinGen allele CA4326928.

ClinVar aggregate classification (germline): Conflicting classifications of pathogenicity. Review status: criteria provided, conflicting classifications (1 of 4 stars). 20 submissions from 19 submitters: Likely pathogenic (1); Uncertain significance (17); Benign (1). 1 of the submissions does not count toward it. Last evaluated 2026-08-19.

Conditions:
Cholestasis, intrahepatic, of pregnancy, 3. Identifiers: Orphanet 69665, MedGen C3554241, MONDO:0013995, OMIM 614972.
Low phospholipid associated cholelithiasis (GBD1). Also called: Gallstone cholecystitis; Gallbladder disease 1. Identifiers: Orphanet 69663, MedGen C2609268, MONDO:0010939, OMIM 600803.
Familial intrahepatic cholestasis. Identifiers: Orphanet 284385, MedGen CN296401, MONDO:0017290.
ABCB4-related disorder. Also called: ABCB4-related disorders; ABCB4-related condition.
Progressive familial intrahepatic cholestasis type 3. Also called: Low Gamma-GT Familial Intrahepatic Cholestasis; MDR3 DEFICIENCY. Identifiers: Orphanet 79305, MedGen C1865643, MONDO:0011214, OMIM 602347.
Progressive familial intrahepatic cholestasis type 1. Also called: Byler's disease; BYLER DISEASE; Severe ATP8B1 Deficiency (Progressive Familial Intrahepatic Cholestasis Type 1 [PFIC1]). Identifiers: Orphanet 79306, MedGen C4551898, MONDO:0008892, OMIM 211600.
Severe early-childhood-onset retinal dystrophy (STGD1). Also called: Stargardt macular dystrophy; Juvenile onset macular degeneration; Stargardt disease 1; MACULAR DYSTROPHY WITH FLECKS, TYPE 1; STGD. Identifiers: Orphanet 364055, Orphanet 827, MedGen C1855465, MeSH D000080362, MONDO:0009549, OMIM 248200.

Allele frequency attached by ClinVar (database versions not stated): gnomAD 0.00362 and 0.00389; TOPMed 0.00415; ESP Exome Variant Server 0.00415; gnomAD exomes 0.00037 and 0.00098; 1000 Genomes Project 30x 0.00484; ExAC 0.00132; 1000 Genomes Project 0.00459.

Submissions 1 to 8 of 20:

Molecular Genetics Laboratory, CHU Lille
Classification: Uncertain significance for Low phospholipid associated cholelithiasis. Last evaluated: 2026-08-19. Review status: criteria provided, single submitter. Criteria: ACMG Guidelines, 2015. Collection method: clinical testing. Allele origin: germline. Affected: yes.
Comment: In the absence of sufficient evidence indicating a deleterious effect, this variant is classified as a variant of uncertain significance at this time.

OLLIN Analises Genomicas, OLLIN
Classification: Uncertain significance for Cholestasis, intrahepatic, of pregnancy, 3. Last evaluated: 2026-08-06. Review status: criteria provided, single submitter. Criteria: ACMG Guidelines 2015 PMID 25741868. Collection method: clinical testing. Allele origin: germline. Inheritance: Autosomal dominant inheritance.
Comment: This missense variant, located in exon 23 (of 28), has been reported in ClinVar (accession VCV000281139.46), in gnomAD with an allele frequency of 0.069%, and in the scientific literature, in compound heterozygosity, in individuals with ABCB4 related disorders (PMID: 12891548, 18482588, 23533021, 26153658, 31000363, 26900700). Functional studies suggest that this variant may affect protein function, and in silico analysis predicts a deleterious effect (PMID: 12891548, 18482588, 23533021, 26153658, 31000363). This gene is constrained for missense variation. This variant has been observed in cis with a pathogenic variant. According to the currently available evidence, this variant has been classified as uncertain significance (PS3_P, PM3_VS, PP2, PP3_M, BP2, BS1).

PreventionGenetics, part of Exact Sciences
Classification: Uncertain significance for ABCB4-related condition. Last evaluated: 2026-06-23. Review status: criteria provided, single submitter. Criteria: ACMG Guidelines, 2015. Collection method: clinical testing. Allele origin: germline.
Comment: The ABCB4 c.2800G>A variant is predicted to result in the amino acid substitution p.Ala934Thr. This variant has been reported in the homozygous and compound heterozygous states in patients with cholelithiasis, cholestasis and chronic liver disease (Rosmorduc et al. 2003. PubMed ID: 12891548; Hertel et al. 2021. PubMed ID: 34016879; Hakim et al. 2019. PubMed ID: 31000363; Table S1, Nayagam et al. 2022. PubMed ID: 35894240). Further, an in vitro functional study supports its pathogenicity (Gordo-Gilart et al. 2016. PubMed ID: 26153658). However, this variant is reported in 1.4% of alleles in individuals of African descent in gnomAD, including a single homozygous individual of unknown phenotype. This population frequency is significantly higher than other known pathogenic variants in this gene. It has conflicting interpretations of pathogenicity in the ClinVar database ranging from benign to likely pathogenic. Variable expressivity, incomplete penetrance, and/or other genetic modifiers could be playing a role in this variant's contribution to disease risk (Colombo et al. 2011. PubMed ID: 21119540). At this time, the clinical significance of this variant is uncertain due to the absence of conclusive functional and genetic evidence.

Women's Health and Genetics/Laboratory Corporation of America, LabCorp
Classification: Uncertain significance. Last evaluated: 2026-06-11. Review status: criteria provided, single submitter. Criteria: LabCorp Variant Classification Summary - May 2015. Collection method: clinical testing. Allele origin: germline.
Comment: Variant summary: ABCB4 c.2800G>A (p.Ala934Thr) results in a non-conservative amino acid change located in the ABC transporter type 1, transmembrane domain of the encoded protein sequence. Algorithms developed to predict the effect of missense changes on protein structure and function all suggest that this variant is likely to be disruptive. The variant allele was found at a frequency of 0.00098 in 250988 control chromosomes, predominantly at a frequency of 0.014 within the African or African-American subpopulation in the gnomAD database. The observed variant frequency within African or African-American control individuals in the gnomAD database exceeds the estimated maximal expected allele frequency for disease-causing variants in ABCB4. c.2800G>A has been reported in the literature in individuals affected with Cholestasis (Rosmorduc_2003, Poupon_2010, Goldschmidt_2016, Gordo-Gilart_LiverInt_2016, Hakim_2019, Hertel_2021, Nayagam_2022, Halleb_2022). These reports do not provide unequivocal conclusions about association of the variant with disease. At least two publications reported experimental evidence evaluating an impact on protein function and showed that this variant results in abnormal protein localization and decreased activity (Gordo-Gilart_ LiverInt_2016, Gordo-Gilart_PLoSOne_2016). The following publications have been ascertained in the context of this evaluation (PMID: 26126923, 26900700, 26153658, 31000363, 35922258, 34016879, 35894240, 20537830, 12891548). ClinVar contains an entry for this variant (Variation ID: 281139). Based on the evidence outlined above, the variant was classified as VUS-possibly benign.

Genomenon, Inc
Classification: Uncertain significance for Familial intrahepatic cholestasis; Low phospholipid associated cholelithiasis. Last evaluated: 2026-04-14. Review status: criteria provided, single submitter. Criteria: Genomenon Sequence Variant Interpretation Standards - Updated. Collection method: curation. Allele origin: germline. Affected: yes.
Comment: ABCB4 p.Ala934Thr (c.2800G>A) is a missense variant that changes the amino acid at residue 934 from Alanine to Threonine. This variant has been observed in at least one proband with an ABCB4-related disorder (PMID:39149201;37566928;35626323;34016879;32893960;31000363;12713886;12891548;23533021;26153658). It has been observed in trans with a pathogenic or likely pathogenic variant (PMID:31000363). At least one functional study has demonstrated a substantial alteration in protein function relative to the wild-type (PMID:26153658;26900700). In silico models predict that this variant is possibly or probably damaging. This variant’s allele frequency in gnomAD is greater than expected for this disorder. In conclusion, we classify ABCB4 p.Ala934Thr (c.2800G>A) as a variant of uncertain significance.

Mayo Clinic Laboratories, Mayo Clinic
Classification: Uncertain significance. Last evaluated: 2025-09-26. Review status: criteria provided, single submitter. Criteria: ACMG Guidelines, 2015. Collection method: clinical testing. Allele origin: germline. Observed: 8 variant alleles.
Comment: BS1, PP3_moderate

GeneDx
Classification: Likely pathogenic. Last evaluated: 2025-08-06. Review status: criteria provided, single submitter. Criteria: GeneDx Variant Classification Process June 2021. Collection method: clinical testing. Allele origin: germline. Affected: yes.
Comment: Published functional studies demonstrate a damaging effect; in vitro functional studies showed the A934T allele leads to reduced MDR3 protein levels and activity, with trapping of the ABCB4 protein in the endoplasmic reticulum (PMID: 26153658); In silico analysis supports that this missense variant has a deleterious effect on protein structure/function; This variant is associated with the following publications: (PMID: 26153658, 26900700, 23533021, 27825922, 22527017, 31538484, 17562004, 16622704, 32893960, 30954630, 33742171, 20537830, 34016879, 35894240, 35654975, 35922258, 37566928, 38057357, 31000363, 12891548, 39149201, 40110281, 38874003, Passetti2024[Preprint], 38374565)

3billion
Classification: Uncertain significance for Low phospholipid associated cholelithiasis. Last evaluated: 2025-06-27. Review status: criteria provided, single submitter. Criteria: ACMG Guidelines, 2015. Collection method: clinical testing. Allele origin: germline. Affected: yes.
Comment: The variant is observed at an extremely low frequency in the gnomAD v4.1.0 dataset (total allele frequency: 0.069%). Predicted Consequence/Location: Missense variant In silico tool predictions suggest damaging effect of the variant on gene or gene product [REVEL: 0.78 (>=0.6, sensitivity 0.68 and specificity 0.92)]. The same nucleotide change resulting in the same amino acid change has been previously reported to be associated with ABCB4-related disorder (PMID: 12891548). However, the evidence of pathogenicity is insufficient at this time. Therefore, this variant is classified as VUS according to the recommendation of ACMG/AMP guideline.